The following is an entry in ClinVar:

NM_001018005.2(TPM1):c.662A>G (p.Tyr221Cys)

Gene: TPM1 (tropomyosin 1; plus strand). Cytogenetic location: 15q22.2.
Variant type: single nucleotide variant.
Coding change: c.662A>G on transcript NM_001018005.2 (MANE Select); coding-DNA position 662, A replaced by G.
Protein change: p.Tyr221Cys; replaces tyrosine 221 with cysteine.
Molecular consequence: missense variant.
Genome position (GRCh38, 1-based): chr15:63,062,237, A>G. VCF-style: chr15-63062237-A-G. GRCh37 (hg19) VCF-style: chr15-63354436-A-G.
Other names: c.662A>G, p.Tyr221Cys (NM_000366.6, NM_001018004.2, NM_001018006.2 and 20 more transcripts); c.554A>G, p.Tyr185Cys (NM_001018008.2, NM_001301289.2, NM_001330344.2 and 9 more transcripts); c.788A>G, p.Tyr263Cys (NM_001365778.1, NM_001407322.1, NM_001407323.1 and 1 more transcripts); short protein forms Y263C, Y221C, Y185C.
Identifiers: ClinVar variation 2045947 (VCV002045947.4), dbSNP rs2542842049, ClinGen allele CA392724432.
Genomic context (GRCh38, chr15:63,062,237, plus strand): 5'-CTGCAGCCTGACATCTGGAATGCTCTTTCTAATTACAGTACTCGCAGAAGGAAGACAGAT[A>G]TGAGGAAGAGATCAAGGTCCTTTCCGACAAGCTGAAGGAGGTAATATGAGAGTTGTGGAT-3'
Protein context (NP_001018005.1, residues 211-231): AEKYSQKEDR[Tyr221Cys]EEEIKVLSDK

ClinVar aggregate classification (germline): Uncertain significance (1 of 4 stars; one submission).

Conditions:
Hypertrophic cardiomyopathy. Also called: HYPERTROPHIC MYOCARDIOPATHY. Identifiers: Orphanet 217569, MedGen C0007194, MeSH D002312, MONDO:0005045, HP:0001639.

Allele frequency attached by ClinVar (database versions not stated): gnomAD exomes below 0.00001.
gnomAD v4.1: 1 of 1,614,178 alleles (0.000062%); highest among the groups gnomAD compares: East Asian, 0.0022%; no homozygotes.

Submission:

Labcorp Genetics (formerly Invitae), Labcorp
Classification: Uncertain significance for Hypertrophic cardiomyopathy. Last evaluated: 2024-08-28. Review status: criteria provided, single submitter. Criteria: Invitae Variant Classification Sherloc (09022015). Collection method: clinical testing. Allele origin: germline.
Comment: This sequence change replaces tyrosine, which is neutral and polar, with cysteine, which is neutral and slightly polar, at codon 221 of the TPM1 protein (p.Tyr221Cys). This variant is not present in population databases (gnomAD no frequency). This missense change has been observed in individuals with hypertrophic cardiomyopathy (PMID: 32830170, 37652022; internal data). ClinVar contains an entry for this variant (Variation ID: 2045947). An algorithm developed to predict the effect of missense changes on protein structure and function (PolyPhen-2) suggests that this variant is likely to be disruptive. In summary, the available evidence is currently insufficient to determine the role of this variant in disease. Therefore, it has been classified as a Variant of Uncertain Significance.

Literature cited by the submitters: PubMed 32830170; PubMed 37652022.